The following is an entry in ClinVar:

ClinVar aggregate classification (germline): Pathogenic (1 of 4 stars; one submission).

Conditions:
Congenital sideroblastic anemia-B-cell immunodeficiency-periodic fever-developmental delay syndrome. Also called: Sideroblastic anemia with B-cell immunodeficiency, periodic fevers, and developmental delay. Identifiers: Orphanet 369861, MedGen C4015172, MONDO:0014487, OMIM 616084.

Submission:

Labcorp Genetics (formerly Invitae), Labcorp
Classification: Pathogenic for Congenital sideroblastic anemia-B-cell immunodeficiency-periodic fever-developmental delay syndrome. Last evaluated: 2025-04-14. Review status: criteria provided, single submitter. Criteria: Invitae Variant Classification Sherloc (09022015). Collection method: clinical testing. Allele origin: germline.
Comment: This sequence change creates a premature translational stop signal (p.Leu230Trpfs*18) in the TRNT1 gene. It is expected to result in an absent or disrupted protein product. Loss-of-function variants in TRNT1 are known to be pathogenic (PMID: 25193871). This variant is not present in population databases (gnomAD no frequency). This variant has not been reported in the literature in individuals affected with TRNT1-related conditions. ClinVar contains an entry for this variant (Variation ID: 2023090). Algorithms developed to predict the effect of sequence changes on RNA splicing suggest that this variant may disrupt the consensus splice site. For these reasons, this variant has been classified as Pathogenic.

Literature cited by the submitters: PubMed 25193871.

NM_182916.3(TRNT1):c.689_693del (p.Leu230fs)

Gene: TRNT1 (tRNA nucleotidyl transferase 1; plus strand). Cytogenetic location: 3p26.2.
Variant type: Deletion.
Coding change: c.689_693del on transcript NM_182916.3 (MANE Select); coding-DNA positions 689 to 693, 5 bases deleted (TGGCT; older notation c.689_693delTGGCT).
Protein change: p.Leu230fs; shifts the reading frame from leucine 230.
Molecular consequence: frameshift variant. On other transcripts: non-coding transcript variant (6).
Genome position (GRCh38, 1-based): chr3:3,146,510-3,146,514, TGGCT deleted; deleting any 5 consecutive bases within chr3:3,146,506-3,146,514 gives the same sequence; the c. name uses the placement nearest the transcript's 3' end. VCF-style (leftmost placement, unchanged base first): chr3-3146505-AGGCTT-A. GRCh37 (hg19) VCF-style: chr3-3188189-AGGCTT-A.
Other names: c.689_693del, p.Leu230fs (NM_001302946.2, NM_001367321.1, NM_001367322.1 and 1 more transcripts); short protein forms L230fs.
Identifiers: ClinVar variation 2023090 (VCV002023090.4), dbSNP rs2471342303, ClinGen allele CA2580069142.
Genomic context (GRCh38, chr3:3,146,505, plus strand): 5'-TGTAGACAAACCTGGTGACCATGATCCTGAGACTTTGGAAGCAATTGCAGAAAATGCAAA[AGGCTT>A]GGCTGGAATATCAGGAGAAAGGATTTGGGTGGAACTGAAAAAAATTCTTGTTGGTAACCA-3'